The following is an entry in ClinVar:

ClinVar aggregate classification (germline): Uncertain significance (1 of 4 stars; one submission).

Conditions:
Hereditary cancer-predisposing syndrome. Also called: Neoplastic Syndromes, Hereditary; Tumor predisposition; Hereditary neoplastic syndrome; Hereditary Cancer Syndrome. Identifiers: Orphanet 140162, MedGen C0027672, MeSH D009386, MONDO:0015356.

Submission:

Ambry Genetics
Classification: Uncertain significance for Hereditary cancer-predisposing syndrome. Last evaluated: 2026-09-05. Review status: criteria provided, single submitter. Criteria: Ambry Variant Classification Scheme 2023. Collection method: clinical testing. Allele origin: germline.
Comment: The p.L1292V variant (also known as c.3874C>G), located in coding exon 10 of the BRCA2 gene, results from a C to G substitution at nucleotide position 3874. The leucine at codon 1292 is replaced by valine, an amino acid with highly similar properties. This amino acid position is conserved. In addition, this alteration is predicted to be tolerated by in silico analysis. Based on the available evidence, the clinical significance of this variant remains unclear.

NM_000059.4(BRCA2):c.3874C>G (p.Leu1292Val)

Gene: BRCA2 (BRCA2 DNA repair associated; plus strand). Cytogenetic location: 13q13.1.
Variant type: single nucleotide variant.
Coding change: c.3874C>G on transcript NM_000059.4 (MANE Select); coding-DNA position 3874, C replaced by G.
Protein change: p.Leu1292Val; replaces leucine 1292 with valine.
Molecular consequence: missense variant. On other transcripts: non-coding transcript variant (1), intron variant (2).
Genome position (GRCh38, 1-based): chr13:32,338,229, C>G. VCF-style: chr13-32338229-C-G. GRCh37 (hg19) VCF-style: chr13-32912366-C-G.
Other names: c.3874C>G, p.Leu1292Val (NM_001406719.1, NM_001406720.1, NM_001432077.1); c.1909+4842C>G (NM_001406721.1); c.425-6329C>G (NM_001406722.1); short protein forms L1292V.
Identifiers: ClinVar variation 5033368 (VCV005033368.1).
Genomic context (GRCh38, chr13:32,338,229, plus strand): 5'-ATGTTTAAGATAGAAAATCATAATGATAAAACTGTAAGTGAAAAAAATAATAAATGCCAA[C>G]TGATATTACAAAATAATATTGAAATGACTACTGGCACTTTTGTTGAAGAAATTACTGAAA-3'
Protein context (NP_000050.3, residues 1282-1302): TVSEKNNKCQ[Leu1292Val]ILQNNIEMTT